The following is an entry in ClinVar:

ClinVar aggregate classification (germline): Uncertain significance (1 of 4 stars; one submission).

Conditions:
Early Myoclonic Encephalopathy. Identifiers: MedGen C0270855.

Allele frequency attached by ClinVar (database versions not stated): gnomAD 0.00001; gnomAD exomes 0.00001 and 0.00002; TOPMed 0.00001.

Submission:

Labcorp Genetics (formerly Invitae), Labcorp
Classification: Uncertain significance for Early Myoclonic Encephalopathy. Last evaluated: 2025-09-24. Review status: criteria provided, single submitter. Criteria: Invitae Variant Classification Sherloc (09022015). Collection method: clinical testing. Allele origin: germline.
Comment: This sequence change replaces methionine, which is neutral and non-polar, with leucine, which is neutral and non-polar, at codon 1845 of the JMJD1C protein (p.Met1845Leu). This variant is present in population databases (no rsID available, gnomAD 0.004%). This variant has not been reported in the literature in individuals affected with JMJD1C-related conditions. ClinVar contains an entry for this variant (Variation ID: 529698). Invitae Evidence Modeling of protein sequence and biophysical properties (such as structural, functional, and spatial information, amino acid conservation, physicochemical variation, residue mobility, and thermodynamic stability) indicates that this missense variant is expected to disrupt JMJD1C protein function with a positive predictive value of 80%. In summary, the available evidence is currently insufficient to determine the role of this variant in disease. Therefore, it has been classified as a Variant of Uncertain Significance.

NM_032776.3(JMJD1C):c.5533A>C (p.Met1845Leu)

Gene: JMJD1C (jumonji domain containing 1C; minus strand). Cytogenetic location: 10q21.3.
Variant type: single nucleotide variant.
Coding change: c.5533A>C on transcript NM_032776.3 (MANE Select); coding-DNA position 5533, A replaced by C.
Protein change: p.Met1845Leu; replaces methionine 1845 with leucine.
Molecular consequence: missense variant. On other transcripts: non-coding transcript variant (1).
Genome position (GRCh38, 1-based): chr10:63,197,522, T>G on the plus strand (A>C on the coding strand, the complement: JMJD1C is on the minus strand). VCF-style: chr10-63197522-T-G. GRCh37 (hg19) VCF-style: chr10-64957282-T-G.
Other names: c.4987A>C, p.Met1663Leu (NM_001282948.2, NM_001318154.2); c.4669A>C, p.Met1557Leu (NM_001318153.2); c.5419A>C, p.Met1807Leu (NM_001322252.2); c.4876A>C, p.Met1626Leu (NM_001322254.2, NM_001322258.2); short protein forms M1845L, M1557L, M1663L, M1807L, M1626L.
Identifiers: ClinVar variation 529698 (VCV000529698.10), dbSNP rs905988373, ClinGen allele CA208363998.